The following is an entry in ClinVar:

ClinVar aggregate classification (germline): Benign/Likely benign. Review status: criteria provided, multiple submitters, no conflicts (2 of 4 stars). 5 submissions from 5 submitters: Benign (1); Likely benign (2). 2 of the submissions do not count toward it. Last evaluated 2026-01-19.

Conditions:
Xeroderma pigmentosum (XP). Identifiers: Orphanet 910, MedGen C0043346, MONDO:0019600.
XPA-related disorder. Also called: XPA-related condition.
Xeroderma pigmentosum group A (XPA). Also called: Xeroderma pigmentosum, complementation group A; XP, group A; XPA-Related Xeroderma Pigmentosum. Identifiers: Orphanet 910, MedGen C0268135, MONDO:0010210, OMIM 278700.

Allele frequency attached by ClinVar (database versions not stated): gnomAD 0.00002 and 0.00025; TOPMed 0.00009; gnomAD exomes 0.00047 and 0.00085; 1000 Genomes Project 0.00060; 1000 Genomes Project 30x 0.00094; ExAC 0.00094.
gnomAD v4.1: 705 of 1,613,186 alleles (0.044%); highest among the groups gnomAD compares: South Asian, 0.73%; 9 homozygotes.

Submissions (5):

Labcorp Genetics (formerly Invitae), Labcorp
Classification: Likely benign. Last evaluated: 2026-01-19. Review status: criteria provided, single submitter. Criteria: Invitae Variant Classification Sherloc (09022015). Collection method: clinical testing. Allele origin: germline.

Sema4
Classification: Benign for Xeroderma pigmentosum. Last evaluated: 2020-10-09. Review status: criteria provided, single submitter. Criteria: Sema4 Curation Guidelines. Collection method: curation. Allele origin: germline.

Illumina Laboratory Services, Illumina
Classification: Likely benign for Xeroderma pigmentosum group A. Last evaluated: 2018-01-12. Review status: criteria provided, single submitter. Criteria: ICSL Variant Classification Criteria 13 December 2019. Collection method: clinical testing. Allele origin: germline.
Comment: This variant was observed in the ICSL laboratory as part of a predisposition screen in an ostensibly healthy population. It had not been previously curated by ICSL or reported in the Human Gene Mutation Database (HGMD: prior to June 1st, 2018), and was therefore a candidate for classification through an automated scoring system. Utilizing variant allele frequency, disease prevalence and penetrance estimates, and inheritance mode, an automated score was calculated to assess if this variant is too frequent to cause the disease. Based on the score and internal cut-off values, a variant classified as likely benign is not then subjected to further curation. The score for this variant resulted in a classification of likely benign for this disease.

PreventionGenetics, part of Exact Sciences
Classification: Likely benign for XPA-related condition. Last evaluated: 2019-12-09. Review status: no assertion criteria provided. Collection method: clinical testing. Allele origin: germline. Not counted in ClinVar's aggregate classification.
Comment: This variant is classified as likely benign based on ACMG/AMP sequence variant interpretation guidelines (Richards et al. 2015 PMID: 25741868, with internal and published modifications).

ITMI
No classification provided. Condition: AllHighlyPenetrant. Last evaluated: 2013-09-19. Review status: no classification provided. Collection method: reference population. Allele origin: germline. Not counted in ClinVar's aggregate classification.
Comment: Please see associated publication for description of ethnicities

Literature cited by the submitters: PubMed 24728327 (cited by ITMI).

NM_000380.4(XPA):c.568T>G (p.Ser190Ala)

Gene: XPA (XPA, DNA damage recognition and repair factor; minus strand). Cytogenetic location: 9q22.33.
Variant type: single nucleotide variant.
Coding change: c.568T>G on transcript NM_000380.4 (MANE Select); coding-DNA position 568, T replaced by G.
Protein change: p.Ser190Ala; replaces serine 190 with alanine.
Molecular consequence: missense variant. On other transcripts: non-coding transcript variant (5).
Genome position (GRCh38, 1-based): chr9:97,685,028, A>C on the plus strand (T>G on the coding strand, the complement: XPA is on the minus strand). VCF-style: chr9-97685028-A-C. GRCh37 (hg19) VCF-style: chr9-100447310-A-C.
Other names: c.442T>G, p.Ser148Ala (NM_001354975.2); short protein forms S190A, S148A.
Identifiers: ClinVar variation 135459 (VCV000135459.18), dbSNP rs555812588, ClinGen allele CA162835.
Genomic context (GRCh38, chr9:97,685,028, plus strand): 5'-TTTCCTGTCGGACTTCCTTTGCTTCTTCTAATGCTTCTTGACTACCCCAAACTTCAAGAG[A>C]CCTCTTCACAATCTACAACACAAAATCCATATTTAAATAAGTTGTGATTCAGACTTGCGA-3'
Protein context (NP_000371.1, residues 180-200): LYLKLQIVKR[Ser190Ala]LEVWGSQEAL